The following is an entry in ClinVar:

NM_016631.4(PAXBP1):c.2268-7dup

Gene: PAXBP1 (PAX3 and PAX7 binding protein 1; minus strand). Cytogenetic location: 21q22.11.
Variant type: Duplication.
Coding change: c.2268-7dup on transcript NM_016631.4 (MANE Select); 7 bases into the intron before coding-DNA position 2268, one base duplicated (T; older notation c.2268-7dupT).
Molecular consequence: intron variant.
Genome position (GRCh38, 1-based): chr21:32,743,321, A duplicated on the plus strand (T on the coding strand, the reverse complement: PAXBP1 is on the minus strand); the first of 8 consecutive A bases (chr21:32,743,321-32,743,328); duplicating any one gives the same sequence. VCF-style (leftmost placement, unchanged base first): chr21-32743320-T-TA. GRCh37 (hg19) VCF-style: chr21-34115631-T-TA.
Other names: c.2268-7dup (NM_013329.4).
Identifiers: ClinVar variation 2652603 (VCV002652603.24), dbSNP rs762331368, ClinGen allele CA10004426.

ClinVar aggregate classification (germline): Likely benign (1 of 4 stars; one submission).

Submission:

CeGaT Center for Human Genetics Tuebingen
Classification: Likely benign. Last evaluated: 2022-09-01. Review status: criteria provided, single submitter. Criteria: CeGaT Center For Human Genetics Tuebingen Variant Classification Criteria Version 2. Collection method: clinical testing. Allele origin: germline. Affected: yes. Observed: 1 variant allele.
Comment: PAXBP1: BP4, BS2